The following is an entry in ClinVar:

ClinVar aggregate classification (germline): Uncertain significance (1 of 4 stars; one submission).

Conditions:
Charcot-Marie-Tooth disease type 4. Also called: Charcot-Marie-Tooth disease, type IV; Charcot-Marie-Tooth, Type 4. Identifiers: Orphanet 64749, MedGen C4082197, MONDO:0018995.

Allele frequency attached by ClinVar (database versions not stated): gnomAD exomes below 0.00001; TOPMed below 0.00001.
gnomAD v4.1: 1 of 1,614,186 alleles (0.000062%); highest among the groups gnomAD compares: Non-Finnish European, 0.000085%; no homozygotes.

Submission:

Labcorp Genetics (formerly Invitae), Labcorp
Classification: Uncertain significance for Charcot-Marie-Tooth disease type 4. Last evaluated: 2022-02-17. Review status: criteria provided, single submitter. Criteria: Invitae Variant Classification Sherloc (09022015). Collection method: clinical testing. Allele origin: germline.
Comment: This sequence change replaces glutamic acid, which is acidic and polar, with lysine, which is basic and polar, at codon 1044 of the PRX protein (p.Glu1044Lys). This variant is not present in population databases (gnomAD no frequency). This variant has not been reported in the literature in individuals affected with PRX-related conditions. Algorithms developed to predict the effect of missense changes on protein structure and function are either unavailable or do not agree on the potential impact of this missense change (SIFT: "Deleterious"; PolyPhen-2: "Possibly Damaging"; Align-GVGD: "Class C0"). In summary, the available evidence is currently insufficient to determine the role of this variant in disease. Therefore, it has been classified as a Variant of Uncertain Significance.

NM_181882.3(PRX):c.3130G>A (p.Glu1044Lys)

Gene: PRX (periaxin; minus strand). Cytogenetic location: 19q13.2.
Variant type: single nucleotide variant.
Coding change: c.3130G>A on transcript NM_181882.3 (MANE Select); coding-DNA position 3130, G replaced by A.
Protein change: p.Glu1044Lys; replaces glutamic acid 1044 with lysine.
Molecular consequence: missense variant. On other transcripts: 3 prime UTR variant (1).
Genome position (GRCh38, 1-based): chr19:40,395,222, C>T on the plus strand (G>A on the coding strand, the complement: PRX is on the minus strand). VCF-style: chr19-40395222-C-T. GRCh37 (hg19) VCF-style: chr19-40901129-C-T.
Other names: c.3415G>A, p.Glu1139Lys (NM_001411127.1); c.*3335G>A (NM_020956.2); short protein forms E1139K, E1044K.
Identifiers: ClinVar variation 2141674 (VCV002141674.4), dbSNP rs2079420897, ClinGen allele CA405894901.